The following is an entry in ClinVar:

ClinVar aggregate classification (germline): Uncertain significance. Review status: criteria provided, multiple submitters, no conflicts (2 of 4 stars). 2 submissions from 2 submitters: Uncertain significance (2). Last evaluated 2025-01-06.

Allele frequency attached by ClinVar (database versions not stated): ExAC 0.00001; gnomAD exomes 0.00001 and 0.00002; TOPMed 0.00010; gnomAD 0.00011; 1000 Genomes Project 30x 0.00016; 1000 Genomes Project 0.00020.
gnomAD v4.1: 39 of 1,613,956 alleles (0.0024%); highest among the groups gnomAD compares: African/African-American, 0.044%; no homozygotes.

Submissions (2):

Labcorp Genetics (formerly Invitae), Labcorp
Classification: Uncertain significance. Last evaluated: 2025-01-06. Review status: criteria provided, single submitter. Criteria: Invitae Variant Classification Sherloc (09022015). Collection method: clinical testing. Allele origin: germline.
Comment: This sequence change replaces asparagine, which is neutral and polar, with aspartic acid, which is acidic and polar, at codon 410 of the ARSG protein (p.Asn410Asp). This variant is present in population databases (rs549712008, gnomAD 0.04%). This variant has not been reported in the literature in individuals affected with ARSG-related conditions. ClinVar contains an entry for this variant (Variation ID: 1520621). Invitae Evidence Modeling of protein sequence and biophysical properties (such as structural, functional, and spatial information, amino acid conservation, physicochemical variation, residue mobility, and thermodynamic stability) indicates that this missense variant is expected to disrupt ARSG protein function with a positive predictive value of 80%. In summary, the available evidence is currently insufficient to determine the role of this variant in disease. Therefore, it has been classified as a Variant of Uncertain Significance.

Ambry Genetics
Classification: Uncertain significance. Last evaluated: 2024-06-07. Review status: criteria provided, single submitter. Criteria: Ambry Variant Classification Scheme 2023. Collection method: clinical testing. Allele origin: germline.

NM_001267727.2(ARSG):c.1228A>G (p.Asn410Asp)

Gene: ARSG (arylsulfatase G; plus strand). Cytogenetic location: 17q24.2.
Variant type: single nucleotide variant.
Coding change: c.1228A>G on transcript NM_001267727.2 (MANE Select); coding-DNA position 1228, A replaced by G.
Protein change: p.Asn410Asp; replaces asparagine 410 with aspartic acid.
Molecular consequence: missense variant.
Genome position (GRCh38, 1-based): chr17:68,401,375, A>G. VCF-style: chr17-68401375-A-G. GRCh37 (hg19) VCF-style: chr17-66397516-A-G.
Other names: c.1228A>G, p.Asn410Asp (NM_001352899.2, NM_001352900.2, NM_001352901.2 and 3 more transcripts); c.1225A>G, p.Asn409Asp (NM_001352903.2, NM_001352904.2, NM_001352905.2 and 2 more transcripts); c.1180A>G, p.Asn394Asp (NM_001352909.2); c.1228A>G (NM_014960.3); short protein forms N394D, N410D, N409D.
Identifiers: ClinVar variation 1520621 (VCV001520621.5), dbSNP rs549712008, ClinGen allele CA8728528.